The following is an entry in ClinVar:

ClinVar aggregate classification (germline): Conflicting classifications of pathogenicity. Review status: criteria provided, conflicting classifications (1 of 4 stars). 7 submissions from 7 submitters: Uncertain significance (4); Benign (1). 2 of the submissions do not count toward it. Last evaluated 2024-09-05.

Conditions:
NDUFS2-related disorder. Also called: NDUFS2-related condition.
Mitochondrial complex I deficiency, nuclear type 1. Also called: NADH-COENZYME Q REDUCTASE DEFICIENCY; MITOCHONDRIAL NADH DEHYDROGENASE COMPONENT OF COMPLEX I, DEFICIENCY OF. Identifiers: MedGen C6022305, MONDO:0100224, OMIM 252010.
Optic atrophy. Identifiers: MedGen C0029124, MONDO:0003608, HP:0000648.

Allele frequency attached by ClinVar (database versions not stated): 1000 Genomes Project 30x 0.00016; 1000 Genomes Project 0.00020; ExAC 0.00026; gnomAD exomes 0.00033; ESP Exome Variant Server 0.00038; gnomAD 0.00042; TOPMed 0.00044.
gnomAD v4.1: 1,325 of 1,614,142 alleles (0.082%); highest among the groups gnomAD compares: Non-Finnish European, 0.11%; no homozygotes.

Submissions (16):

Blueprint Genetics
Classification: Uncertain significance. Last evaluated: 2024-09-05. Review status: criteria provided, single submitter. Criteria: ACMG Guidelines, 2015. Collection method: clinical testing. Allele origin: germline.

Labcorp Genetics (formerly Invitae), Labcorp
Classification: Uncertain significance. Last evaluated: 2024-01-15. Review status: criteria provided, single submitter. Criteria: Invitae Variant Classification Sherloc (09022015). Collection method: clinical testing. Allele origin: germline.
Comment: This sequence change falls in intron 14 of the NDUFS2 gene. It does not directly change the encoded amino acid sequence of the NDUFS2 protein. It affects a nucleotide within the consensus splice site. This variant is present in population databases (rs190184430, gnomAD 0.06%). This variant has not been reported in the literature in individuals affected with NDUFS2-related conditions. ClinVar contains an entry for this variant (Variation ID: 138487). Variants that disrupt the consensus splice site are a relatively common cause of aberrant splicing (PMID: 17576681, 9536098). Algorithms developed to predict the effect of sequence changes on RNA splicing suggest that this variant may disrupt the consensus splice site. In summary, the available evidence is currently insufficient to determine the role of this variant in disease. Therefore, it has been classified as a Variant of Uncertain Significance.

CeGaT Center for Human Genetics Tuebingen
Classification: Uncertain significance. Last evaluated: 2022-10-01. Review status: criteria provided, single submitter. Criteria: CeGaT Center For Human Genetics Tuebingen Variant Classification Criteria Version 2. Collection method: clinical testing. Allele origin: germline. Affected: yes. Observed: 1 variant allele.

Illumina Laboratory Services, Illumina
Classification: Uncertain significance for Mitochondrial complex I deficiency, nuclear type 1. Last evaluated: 2018-01-13. Review status: criteria provided, single submitter. Criteria: ICSL Variant Classification Criteria 13 December 2019. Collection method: clinical testing. Allele origin: germline.

GeneDx
Classification: Benign. Last evaluated: 2014-06-09. Review status: criteria provided, single submitter. Criteria: GeneDx Variant Classification (06012015). Collection method: clinical testing. Allele origin: germline. Affected: yes.
Comment: This variant is considered likely benign or benign based on one or more of the following criteria: it is a conservative change, it occurs at a poorly conserved position in the protein, it is predicted to be benign by multiple in silico algorithms, and/or has population frequency not consistent with disease.

Institute of Human Genetics, Univ. Regensburg, Univ. Regensburg
Classification: Uncertain significance for Optic atrophy. Last evaluated: 2022-01-01. Review status: no assertion criteria provided. Criteria: ACMG Guidelines, 2015. Collection method: clinical testing. Allele origin: germline. Affected: yes. Not counted in ClinVar's aggregate classification.

PreventionGenetics, part of Exact Sciences
Classification: Likely benign for NDUFS2-related condition. Last evaluated: 2020-05-15. Review status: no assertion criteria provided. Collection method: clinical testing. Allele origin: germline. Not counted in ClinVar's aggregate classification.
Comment: This variant is classified as likely benign based on ACMG/AMP sequence variant interpretation guidelines (Richards et al. 2015 PMID: 25741868, with internal and published modifications).

Dr. Peter K. Rogan Lab, Western University
No classification provided (evidence only). Condition: Melanoma. Review status: no classification provided. Collection method: in vitro. Allele origin: not applicable. Functional consequence: retained intron. Not counted in ClinVar's aggregate classification.

Dr. Peter K. Rogan Lab, Western University
No classification provided (evidence only). Condition: Familial cancer of breast. Review status: no classification provided. Collection method: in vitro. Allele origin: not applicable. Functional consequence: skipped exon, retained intron. Not counted in ClinVar's aggregate classification.

Dr. Peter K. Rogan Lab, Western University
No classification provided (evidence only). Condition: Colorectal cancer. Review status: no classification provided. Collection method: in vitro. Allele origin: not applicable. Functional consequence: skipped exon, retained intron. Not counted in ClinVar's aggregate classification.

Dr. Peter K. Rogan Lab, Western University
No classification provided (evidence only). Condition: Thyroid cancer, nonmedullary, 1. Review status: no classification provided. Collection method: in vitro. Allele origin: not applicable. Functional consequence: retained intron. Not counted in ClinVar's aggregate classification.

Dr. Peter K. Rogan Lab, Western University
No classification provided (evidence only). Condition: Ovarian serous cystadenocarcinoma. Review status: no classification provided. Collection method: in vitro. Allele origin: not applicable. Functional consequence: retained intron. Not counted in ClinVar's aggregate classification.

Dr. Peter K. Rogan Lab, Western University
No classification provided (evidence only). Condition: Ovarian serous cystadenocarcinoma. Review status: no classification provided. Collection method: in vitro. Allele origin: not applicable. Functional consequence: retained intron. Not counted in ClinVar's aggregate classification.

Dr. Peter K. Rogan Lab, Western University
No classification provided (evidence only). Condition: Gastric cancer. Review status: no classification provided. Collection method: in vitro. Allele origin: not applicable. Functional consequence: retained intron. Not counted in ClinVar's aggregate classification.

Dr. Peter K. Rogan Lab, Western University
No classification provided (evidence only). Condition: Uveal melanoma. Review status: no classification provided. Collection method: in vitro. Allele origin: not applicable. Functional consequence: skipped exon, retained intron. Not counted in ClinVar's aggregate classification.

MutSpliceDB: a database of splice sites variants effects on splicing, NIH
No classification provided (evidence only). Review status: no classification provided. Collection method: in vivo. Allele origin: not applicable. Functional consequence: retained intron. Not counted in ClinVar's aggregate classification.

Literature cited by the submitters: PubMed 17576681 (cited by Labcorp Genetics (formerly Invitae), Labcorp); PubMed 9536098 (cited by Labcorp Genetics (formerly Invitae), Labcorp).

NM_001377299.1(NDUFS2):c.1354+5G>A

Gene: NDUFS2 (NADH:ubiquinone oxidoreductase core subunit S2; plus strand). Cytogenetic location: 1q23.3.
Variant type: single nucleotide variant.
Coding change: c.1354+5G>A on transcript NM_001377299.1 (MANE Select); 5 bases into the intron after coding-DNA position 1354, G replaced by A.
Molecular consequence: intron variant. On other transcripts: synonymous variant (4), non-coding transcript variant (1).
Genome position (GRCh38, 1-based): chr1:161,213,926, G>A. VCF-style: chr1-161213926-G-A. GRCh37 (hg19) VCF-style: chr1-161183716-G-A.
Other names: c.1359G>A, p.Thr453= (NM_001166159.2, NM_001377300.1, NM_001377301.1 and 1 more transcripts); c.1354+5G>A (NM_001377298.1, NM_004550.5); c.1359G>A (NM_001166159.1).
Identifiers: ClinVar variation 138487 (VCV000138487.44), dbSNP rs190184430, ClinGen allele CA292498.